The following is an entry in ClinVar:

ClinVar aggregate classification (germline): Likely benign (1 of 4 stars; one submission).

gnomAD v4.1: 7 of 1,612,300 alleles (0.00043%); highest among the groups gnomAD compares: East Asian, 0.0045%; no homozygotes.

Submission:

Mayo Clinic Laboratories, Mayo Clinic
Classification: Likely benign. Last evaluated: 2025-11-21. Review status: criteria provided, single submitter. Criteria: ACMG Guidelines, 2015. Collection method: clinical testing. Allele origin: germline. Observed: 1 variant allele.
Comment: BP4, BP7, PM2_supporting

NM_000088.4(COL1A1):c.291C>T (p.Asp97=)

Gene: COL1A1 (collagen type I alpha 1 chain; minus strand). Cytogenetic location: 17q21.33.
Variant type: single nucleotide variant.
Coding change: c.291C>T on transcript NM_000088.4 (MANE Select); coding-DNA position 291, C replaced by T.
Protein change: p.Asp97=; no amino-acid change (aspartic acid 97 retained).
Molecular consequence: synonymous variant.
Genome position (GRCh38, 1-based): chr17:50,199,760, G>A on the plus strand (C>T on the coding strand, the complement: COL1A1 is on the minus strand). VCF-style: chr17-50199760-G-A. GRCh37 (hg19) VCF-style: chr17-48277121-G-A.
Other names: p.Asp97=.
Identifiers: ClinVar variation 4684236 (VCV004684236.1).